The following is an entry in ClinVar:

NM_000038.6(APC):c.5572C>A (p.Arg1858=)

Gene: APC (APC regulator of Wnt signaling pathway; plus strand). Cytogenetic location: 5q22.2.
Variant type: single nucleotide variant.
Coding change: c.5572C>A on transcript NM_000038.6 (MANE Select); coding-DNA position 5572, C replaced by A.
Protein change: p.Arg1858=; no amino-acid change (arginine 1858 retained).
Molecular consequence: synonymous variant.
Genome position (GRCh38, 1-based): chr5:112,841,166, C>A. VCF-style: chr5-112841166-C-A. GRCh37 (hg19) VCF-style: chr5-112176863-C-A.
Other names: c.5572C>A, p.Arg1858= (NM_001127510.3, NM_001354895.2); c.5518C>A, p.Arg1840= (NM_001127511.3); c.5092C>A, p.Arg1698= (NM_001354905.2); c.4723C>A, p.Arg1575= (NM_001354906.2); c.5626C>A, p.Arg1876= (NM_001354896.2); c.5602C>A, p.Arg1868= (NM_001354897.2); c.5497C>A, p.Arg1833= (NM_001354898.2); c.5488C>A, p.Arg1830= (NM_001354899.2); and 5 more.
Identifiers: ClinVar variation 1011379 (VCV001011379.9), dbSNP rs1270783041, ClinGen allele CA446208942.

ClinVar aggregate classification (germline): Benign/Likely benign. Review status: criteria provided, multiple submitters, no conflicts (2 of 4 stars). 2 submissions from 2 submitters: Benign (1); Likely benign (1). Last evaluated 2025-07-30.

Conditions:
Familial adenomatous polyposis 1 (FAP1). Also called: FAMILIAL ADENOMATOUS POLYPOSIS 1, ATTENUATED; POLYPOSIS, ADENOMATOUS INTESTINAL. Identifiers: MedGen C2713442, MONDO:0021056, OMIM 175100. Disease mechanism: loss of function.

Allele frequency attached by ClinVar (database versions not stated): gnomAD exomes below 0.00001.
gnomAD v4.1: 1 of 1,613,828 alleles (0.000062%); highest among the groups gnomAD compares: Non-Finnish European, 0.000085%; no homozygotes.

Submissions (2):

Labcorp Genetics (formerly Invitae), Labcorp
Classification: Likely benign for Familial adenomatous polyposis 1. Last evaluated: 2025-07-30. Review status: criteria provided, single submitter. Criteria: Invitae Variant Classification Sherloc (09022015). Collection method: clinical testing. Allele origin: germline.

Myriad Genetics, Inc.
Classification: Benign for Familial adenomatous polyposis 1. Last evaluated: 2024-04-02. Review status: criteria provided, single submitter. Criteria: Myriad Autosomal Dominant, Autosomal Recessive and X-Linked Classification Criteria (2023). Collection method: clinical testing. Allele origin: unknown.
Comment: This variant is considered benign. This variant is a silent/synonymous amino acid change and it is not expected to impact splicing.